The following is an entry in ClinVar:

NM_004380.3(CREBBP):c.2400G>A (p.Pro800=)

Gene: CREBBP (CREB binding lysine acetyltransferase; minus strand). Cytogenetic location: 16p13.3.
Variant type: single nucleotide variant.
Coding change: c.2400G>A on transcript NM_004380.3 (MANE Select); coding-DNA position 2400, G replaced by A.
Protein change: p.Pro800=; no amino-acid change (proline 800 retained).
Molecular consequence: synonymous variant.
Genome position (GRCh38, 1-based): chr16:3,773,814, C>T on the plus strand (G>A on the coding strand, the complement: CREBBP is on the minus strand). VCF-style: chr16-3773814-C-T. GRCh37 (hg19) VCF-style: chr16-3823815-C-T.
Other names: c.2286G>A, p.Pro762= (NM_001079846.1).
Identifiers: ClinVar variation 730758 (VCV000730758.14), dbSNP rs756570921, ClinGen allele CA7870147.

ClinVar aggregate classification (germline): Likely benign. Review status: criteria provided, multiple submitters, no conflicts (2 of 4 stars). 5 submissions from 5 submitters: Likely benign (4). 1 of the submissions does not count toward it. Last evaluated 2025-09-23.

Conditions:
Inborn genetic diseases. Identifiers: MedGen C0950123, MeSH D030342.
CREBBP-related disorder. Also called: CREBBP-related condition; CREBBP-related disorders.
Menke-Hennekam syndrome 1 (MKHK1). Identifiers: MedGen C5193034, MONDO:0020763, OMIM 618332.
Rubinstein-Taybi syndrome due to CREBBP mutations (RSTS1). Also called: RUBINSTEIN SYNDROME; BROAD THUMB-HALLUX SYNDROME; Rubinstein-Taybi syndrome 1; RUBINSTEIN-TAYBI SYNDROME 1, INCOMPLETE; CREBBP-Related Rubinstein-Taybi Syndrome; BROAD THUMBS AND GREAT TOES, CHARACTERISTIC FACIES, AND IMPAIRED INTELLECTUAL DEVELOPMENT. Identifiers: Orphanet 353277, Orphanet 783, MedGen C4551859, MONDO:0008393, OMIM 180849.
Rubinstein-Taybi syndrome (RSTS). Identifiers: Orphanet 783, MedGen C0035934, MONDO:0019188.

Allele frequency attached by ClinVar (database versions not stated): ExAC 0.00002; gnomAD 0.00003 and 0.00004; gnomAD exomes 0.00004 and 0.00006; TOPMed 0.00007.
gnomAD v4.1: 96 of 1,613,102 alleles (0.006%); highest among the groups gnomAD compares: Non-Finnish European, 0.0073%; no homozygotes.

Submissions (5):

Labcorp Genetics (formerly Invitae), Labcorp
Classification: Likely benign for Rubinstein-Taybi syndrome. Last evaluated: 2025-09-23. Review status: criteria provided, single submitter. Criteria: Invitae Variant Classification Sherloc (09022015). Collection method: clinical testing. Allele origin: germline.

Fulgent Genetics
Classification: Likely benign for Rubinstein-Taybi syndrome due to CREBBP mutations; Menke-Hennekam syndrome 1. Last evaluated: 2022-04-17. Review status: criteria provided, single submitter. Criteria: ACMG Guidelines, 2015. Collection method: clinical testing. Allele origin: unknown.

GeneDx
Classification: Likely benign. Last evaluated: 2020-04-02. Review status: criteria provided, single submitter. Criteria: GeneDx Variant Classification Process June 2021. Collection method: clinical testing. Allele origin: germline. Affected: yes.

Ambry Genetics
Classification: Likely benign for Inborn genetic diseases. Last evaluated: 2018-12-04. Review status: criteria provided, single submitter. Criteria: Ambry Variant Classification Scheme 2023. Collection method: clinical testing. Allele origin: germline.

PreventionGenetics, part of Exact Sciences
Classification: Likely benign for CREBBP-related condition. Last evaluated: 2022-03-02. Review status: no assertion criteria provided. Collection method: clinical testing. Allele origin: germline. Not counted in ClinVar's aggregate classification.
Comment: This variant is classified as likely benign based on ACMG/AMP sequence variant interpretation guidelines (Richards et al. 2015 PMID: 25741868, with internal and published modifications).